The following is an entry in ClinVar:

ClinVar aggregate classification (germline): Uncertain significance (1 of 4 stars; one submission).

Conditions:
Cardiovascular phenotype. Identifiers: MedGen CN230736.

gnomAD v4.1: 6 of 1,551,756 alleles (0.00039%); highest among the groups gnomAD compares: Non-Finnish European, 0.00052%; no homozygotes.

Submission:

Ambry Genetics
Classification: Uncertain significance for Cardiovascular phenotype. Last evaluated: 2025-12-21. Review status: criteria provided, single submitter. Criteria: Ambry Variant Classification Scheme 2023. Collection method: clinical testing. Allele origin: germline.
Comment: The p.K720N variant (also known as c.2160G>C), located in coding exon 9 of the RBM20 gene, results from a G to C substitution at nucleotide position 2160. The lysine at codon 720 is replaced by asparagine, an amino acid with similar properties. This amino acid position is conserved. In addition, this alteration is predicted to be tolerated by in silico analysis. Based on the available evidence, the clinical significance of this variant remains unclear.

NM_001134363.3(RBM20):c.2160G>C (p.Lys720Asn)

Gene: RBM20 (RNA binding motif protein 20; plus strand). Cytogenetic location: 10q25.2.
Variant type: single nucleotide variant.
Coding change: c.2160G>C on transcript NM_001134363.3 (MANE Select); coding-DNA position 2160, G replaced by C.
Protein change: p.Lys720Asn; replaces lysine 720 with asparagine.
Molecular consequence: missense variant.
Genome position (GRCh38, 1-based): chr10:110,812,557, G>C. VCF-style: chr10-110812557-G-C. GRCh37 (hg19) VCF-style: chr10-112572315-G-C.
Other names: short protein forms K720N.
Identifiers: ClinVar variation 4842214 (VCV004842214.1).
Genomic context (GRCh38, chr10:110,812,557, plus strand): 5'-GAGGGACAGGATGGACCCCTGGGCACATGATCGCAAACACCACCCCCGGCAACTGGACAA[G>C]GCTGAGTTGGACGAGCGACCAGAAGGAGGGAGGCCCCACCGGGAGAAGTACCCGAGATCT-3'
Protein context (NP_001127835.2, residues 710-730): DRKHHPRQLD[Lys720Asn]AELDERPEGG